The following is an entry in ClinVar:

NM_021620.4(PRDM13):c.982A>T (p.Arg328Trp)

Genes: PRDM13 (PR/SET domain 13; plus strand), LOC129996881 (ATAC-STARR-seq lymphoblastoid silent region 17422; plus strand). Cytogenetic location: 6q16.2.
Variant type: single nucleotide variant.
Coding change: c.982A>T on transcript NM_021620.4 (MANE Select); coding-DNA position 982, A replaced by T.
Protein change: p.Arg328Trp; replaces arginine 328 with tryptophan.
Molecular consequence: missense variant.
Genome position (GRCh38, 1-based): chr6:99,613,617, A>T. VCF-style: chr6-99613617-A-T. GRCh37 (hg19) VCF-style: chr6-100061493-A-T.
Other names: short protein forms R328W.
Identifiers: ClinVar variation 2781287 (VCV002781287.3), dbSNP rs2538545738, ClinGen allele CA365117381.
Genomic context (GRCh38, chr6:99,613,617, plus strand): 5'-CACGGCGACCCCTACCGGGAGGAGAGCAGCAGCAAGCAAGGAGCCGGCCTCGCTTTGGGC[A>T]GGCTGCTGGGCGGGGGCCGGGCGTGCGGGCGCCCCGGGAGCGGGGAGAACTCGGCGGCGG-3'
Protein context (NP_067633.2, residues 318-338): SKQGAGLALG[Arg328Trp]LLGGGRACGR

ClinVar aggregate classification (germline): Uncertain significance (1 of 4 stars; one submission).

Submission:

Labcorp Genetics (formerly Invitae), Labcorp
Classification: Uncertain significance. Last evaluated: 2023-01-07. Review status: criteria provided, single submitter. Criteria: Invitae Variant Classification Sherloc (09022015). Collection method: clinical testing. Allele origin: germline.
Comment: Algorithms developed to predict the effect of missense changes on protein structure and function are either unavailable or do not agree on the potential impact of this missense change (SIFT: "Deleterious"; PolyPhen-2: "Possibly Damaging"; Align-GVGD: "Class C0"). In summary, the available evidence is currently insufficient to determine the role of this variant in disease. Therefore, it has been classified as a Variant of Uncertain Significance. This variant has not been reported in the literature in individuals affected with PRDM13-related conditions. This variant is not present in population databases (gnomAD no frequency). This sequence change replaces arginine, which is basic and polar, with tryptophan, which is neutral and slightly polar, at codon 328 of the PRDM13 protein (p.Arg328Trp).